The following is an entry in ClinVar:

NM_001376.5(DYNC1H1):c.12345C>T (p.Ser4115=)

Gene: DYNC1H1 (dynein cytoplasmic 1 heavy chain 1; plus strand). Cytogenetic location: 14q32.31.
Variant type: single nucleotide variant.
Coding change: c.12345C>T on transcript NM_001376.5 (MANE Select); coding-DNA position 12345, C replaced by T.
Protein change: p.Ser4115=; no amino-acid change (serine 4115 retained).
Molecular consequence: synonymous variant.
Genome position (GRCh38, 1-based): chr14:102,042,453, C>T. VCF-style: chr14-102042453-C-T. GRCh37 (hg19) VCF-style: chr14-102508790-C-T.
Identifiers: ClinVar variation 391276 (VCV000391276.36), dbSNP rs774128776, ClinGen allele CA7353903.
Genomic context (GRCh38, chr14:102,042,453, plus strand): 5'-GCTGAAGAATGTGCATCTGGCCCCAGGGTGGCTGATGCAGCTGGAGAAGAAGTTGCATTC[C>T]CTGCAGCCGCATGCCTGCTTCCGACTCTTCCTCACCATGGAGATCAACCCCAAGGTGGGT-3'
Protein context (NP_001367.2, residues 4105-4125): WLMQLEKKLH[Ser4115=]LQPHACFRLF

ClinVar aggregate classification (germline): Likely benign. Review status: criteria provided, multiple submitters, no conflicts (2 of 4 stars). 5 submissions from 5 submitters: Likely benign (4). 1 of the submissions does not count toward it. Last evaluated 2026-01-11.

Conditions:
Charcot-Marie-Tooth disease axonal type 2O. Also called: CHARCOT-MARIE-TOOTH NEUROPATHY, AXONAL, TYPE 2O; CHARCOT-MARIE-TOOTH DISEASE, AXONAL, AUTOSOMAL DOMINANT, TYPE 2O; Charcot-Marie-Tooth disease, axonal, type 20; Charcot-Marie-Tooth Neuropathy Type 2O. Identifiers: Orphanet 284232, MedGen C3280220, MONDO:0013644, OMIM 614228.
DYNC1H1-related disorder. Also called: DYNC1H1-related condition; DYNC1H1-related disorders. Identifiers: MedGen CN381529.

Allele frequency attached by ClinVar (database versions not stated): ExAC 0.00002; gnomAD exomes 0.00004 and 0.00008; gnomAD 0.00005; TOPMed 0.00005.
gnomAD v4.1: 126 of 1,613,982 alleles (0.0078%); highest among the groups gnomAD compares: Non-Finnish European, 0.011%; no homozygotes.

Submissions (5):

Labcorp Genetics (formerly Invitae), Labcorp
Classification: Likely benign for Charcot-Marie-Tooth disease axonal type 2O. Last evaluated: 2026-01-11. Review status: criteria provided, single submitter. Criteria: Invitae Variant Classification Sherloc (09022015). Collection method: clinical testing. Allele origin: germline.

CeGaT Center for Human Genetics Tuebingen
Classification: Likely benign. Last evaluated: 2024-02-01. Review status: criteria provided, single submitter. Criteria: CeGaT Center For Human Genetics Tuebingen Variant Classification Criteria Version 2. Collection method: clinical testing. Allele origin: germline. Affected: yes. Observed: 1 variant allele.
Comment: DYNC1H1: BP4, BP7

Blueprint Genetics
Classification: Likely benign. Last evaluated: 2023-02-24. Review status: criteria provided, single submitter. Criteria: ACMG Guidelines, 2015. Collection method: clinical testing. Allele origin: germline.

GeneDx
Classification: Likely benign. Last evaluated: 2021-06-16. Review status: criteria provided, single submitter. Criteria: GeneDx Variant Classification Process June 2021. Collection method: clinical testing. Allele origin: germline. Affected: yes.

PreventionGenetics, part of Exact Sciences
Classification: Likely benign for DYNC1H1-related condition. Last evaluated: 2019-08-29. Review status: no assertion criteria provided. Collection method: clinical testing. Allele origin: germline. Not counted in ClinVar's aggregate classification.
Comment: This variant is classified as likely benign based on ACMG/AMP sequence variant interpretation guidelines (Richards et al. 2015 PMID: 25741868, with internal and published modifications).